The following is an entry in ClinVar:

ClinVar aggregate classification (germline): Uncertain significance (1 of 4 stars; one submission).

Conditions:
Dilated cardiomyopathy 1G (CMD1G). Identifiers: Orphanet 154, MedGen C1858763, MONDO:0011400, OMIM 604145.
Autosomal recessive limb-girdle muscular dystrophy type 2J (LGMDR10). Also called: Limb-girdle muscular dystrophy, type 2J; MUSCULAR DYSTROPHY, LIMB-GIRDLE, AUTOSOMAL RECESSIVE 10. Identifiers: Orphanet 140922, MedGen C1837342, MONDO:0012127, OMIM 608807.

Submission:

Labcorp Genetics (formerly Invitae), Labcorp
Classification: Uncertain significance for Dilated cardiomyopathy 1G; Autosomal recessive limb-girdle muscular dystrophy type 2J. Last evaluated: 2023-08-30. Review status: criteria provided, single submitter. Criteria: Invitae Variant Classification Sherloc (09022015). Collection method: clinical testing. Allele origin: germline.
Comment: This sequence change creates a premature translational stop signal (p.Ser3731Alafs*17) in the TTN gene. While this is not anticipated to result in nonsense mediated decay, it is expected to create a truncated TTN protein. This variant is not present in population databases (gnomAD no frequency). This variant is located in the I band of TTN (PMID: 25589632). Truncating variants in this region have been shown to be highly prevalent in the general population and unaffected individuals (PMID: 26701604, 22335739). However, truncating variants in this region have also been reported in individuals affected with autosomal recessive centronuclear myopathy (PMID: 23975875). In summary, the available evidence is currently insufficient to determine the role of this variant in disease. Therefore, it has been classified as a Variant of Uncertain Significance. This variant has not been reported in the literature in individuals affected with TTN-related conditions.

Literature cited by the submitters: PubMed 25589632; PubMed 26701604; PubMed 22335739; PubMed 23975875.

NM_001267550.2(TTN):c.11191del (p.Ser3731fs)

Gene: TTN (titin; minus strand). Cytogenetic location: 2q31.2.
Variant type: Deletion.
Coding change: c.11191del on transcript NM_001267550.2 (MANE Select); coding-DNA position 11191, one base deleted (A; older notation c.11191delA).
Protein change: p.Ser3731fs; shifts the reading frame from serine 3731.
Molecular consequence: frameshift variant. On other transcripts: intron variant (5).
Genome position (GRCh38, 1-based): chr2:178,756,285, T deleted on the plus strand (A on the coding strand, the reverse complement: TTN is on the minus strand). VCF-style (leftmost placement, unchanged base first): chr2-178756284-CT-C. GRCh37 (hg19) VCF-style: chr2-179621011-CT-C.
Other names: c.10678del, p.Ser3560fs (NM_133437.4); c.10165+2699del (NM_003319.4); c.10540+1257del (NM_133432.3); c.10303+2699del (NM_133378.4, NM_001256850.1, NM_133379.5); short protein forms S3731fs, S3560fs.
Identifiers: ClinVar variation 2950718 (VCV002950718.3), dbSNP rs2531707430, ClinGen allele CA2740096283.